The following is an entry in ClinVar:

NM_001283009.2(RTEL1):c.1637G>A (p.Gly546Asp)

Genes: RTEL1-TNFRSF6B (RTEL1-TNFRSF6B readthrough (NMD candidate); plus strand), RTEL1 (regulator of telomere elongation helicase 1; plus strand). Cytogenetic location: 20q13.33.
Variant type: single nucleotide variant.
Coding change: c.1637G>A on transcript NM_001283009.2 (MANE Select); coding-DNA position 1637, G replaced by A.
Protein change: p.Gly546Asp; replaces glycine 546 with aspartic acid.
Molecular consequence: missense variant. On other transcripts: non-coding transcript variant (1).
Genome position (GRCh38, 1-based): chr20:63,688,301, G>A. VCF-style: chr20-63688301-G-A. GRCh37 (hg19) VCF-style: chr20-62319654-G-A.
Other names: c.968G>A, p.Gly323Asp (NM_001283010.1); c.1637G>A, p.Gly546Asp (NM_016434.4); c.1709G>A, p.Gly570Asp (NM_032957.5); short protein forms G546D, G570D, G323D.
Identifiers: ClinVar variation 2922493 (VCV002922493.3), dbSNP rs991120821, ClinGen allele CA317511095.
Genomic context (GRCh38, chr20:63,688,301, plus strand): 5'-CTGGTAGGGAACCCTGCAGACATCCTGCCCCTGCCTTGACCCCGGCCCCTGCACTTCCAG[G>A]CAACATCGCCCGCGTGGTGCCCTATGGGCTCCTGATCTTCTTCCCTTCCTATCCTGTCAT-3'
Protein context (NP_001269938.1, residues 536-556): ECLSSLGKAL[Gly546Asp]NIARVVPYGL

ClinVar aggregate classification (germline): Uncertain significance (1 of 4 stars; one submission).

Conditions:
Dyskeratosis congenita, autosomal recessive 5 (DKCB5). Identifiers: MedGen C3554656, MONDO:0014076, OMIM 615190.
Pulmonary fibrosis and/or bone marrow failure, Telomere-related, 3. Also called: PULMONARY FIBROSIS AND/OR BONE MARROW FAILURE SYNDROME, TELOMERE-RELATED, 3. Identifiers: Orphanet 2032, MedGen C4225346, MONDO:0014613, OMIM 616373.

Allele frequency attached by ClinVar (database versions not stated): TOPMed below 0.00001; gnomAD 0.00001; gnomAD exomes 0.00001.
gnomAD v4.1: 20 of 1,611,948 alleles (0.0012%); highest among the groups gnomAD compares: Non-Finnish European, 0.0016%; no homozygotes.

Submission:

Labcorp Genetics (formerly Invitae), Labcorp
Classification: Uncertain significance for Dyskeratosis congenita, autosomal recessive 5; Pulmonary fibrosis and/or bone marrow failure, Telomere-related, 3. Last evaluated: 2024-01-20. Review status: criteria provided, single submitter. Criteria: Invitae Variant Classification Sherloc (09022015). Collection method: clinical testing. Allele origin: germline.
Comment: This sequence change replaces glycine, which is neutral and non-polar, with aspartic acid, which is acidic and polar, at codon 546 of the RTEL1 protein (p.Gly546Asp). This variant is present in population databases (no rsID available, gnomAD 0.0008%). This variant has not been reported in the literature in individuals affected with RTEL1-related conditions. An algorithm developed to predict the effect of missense changes on protein structure and function (PolyPhen-2) suggests that this variant is likely to be disruptive. In summary, the available evidence is currently insufficient to determine the role of this variant in disease. Therefore, it has been classified as a Variant of Uncertain Significance.